The following is an entry in ClinVar:

ClinVar aggregate classification (germline): Conflicting classifications of pathogenicity. Review status: criteria provided, conflicting classifications (1 of 4 stars). 2 submissions from 2 submitters: Likely pathogenic (1); Uncertain significance (1). Last evaluated 2025-04-22.

Conditions:
Hypertrophic cardiomyopathy. Also called: HYPERTROPHIC MYOCARDIOPATHY. Identifiers: Orphanet 217569, MedGen C0007194, MeSH D002312, MONDO:0005045, HP:0001639.
Cardiomyopathy (CMYO). Also called: Cardiomyopathies. Identifiers: Orphanet 167848, MedGen C0878544, MONDO:0004994, HP:0001638. Inheritance: Various modes of inheritance.

Submissions (2):

Color Diagnostics, LLC DBA Color Health
Classification: Uncertain significance for Cardiomyopathy. Last evaluated: 2025-04-22. Review status: criteria provided, single submitter. Criteria: ACMG Guidelines, 2015. Collection method: clinical testing. Allele origin: germline.
Comment: This variant causes a G>A nucleotide substitution at the +1 position of intron 9 of the MYBPC3 gene. Splice site prediction tools suggest that this variant may have a significant impact on RNA splicing. Although functional RNA studies have not been reported, this variant is likely to cause an in-frame skipping of exon 9 (54 bp-longamino acids 284-302) of the MYBPC3 gene that encodes part of the MyBP-C motif. The MyBP-C motif is thought to be important in modulating the interaction of cMyBP-C with myosin and actin, and thereby affecting cardiac contractility (PMID: 19237661, 23277198, 23980194, 24530899, 25634555, 36370805, 38008210). This variant has not been reported in individuals affected with MYBPC3-related disorders in the literature. This variant has not been identified in the general population by the Genome Aggregation Database (gnomAD). A different variant affecting the same splice donor site, c.905+1G>T, is reported to be disease-causing (ClinVar variation ID: 96360). Although there is a suspicion that this variant may be associated with disease, additional studies are necessary to determine the role of this variant in disease conclusively. Therefore, this variant is classified as a Variant of Uncertain Significance.

Labcorp Genetics (formerly Invitae), Labcorp
Classification: Likely pathogenic for Hypertrophic cardiomyopathy. Last evaluated: 2023-04-13. Review status: criteria provided, single submitter. Criteria: Invitae Variant Classification Sherloc (09022015). Collection method: clinical testing. Allele origin: germline.
Comment: This sequence change affects a donor splice site in intron 9 of the MYBPC3 gene. It is expected to disrupt RNA splicing. Variants that disrupt the donor or acceptor splice site typically lead to a loss of protein function (PMID: 16199547), and loss-of-function variants in MYBPC3 are known to be pathogenic (PMID: 19574547). This variant is not present in population databases (gnomAD no frequency). This variant has not been reported in the literature in individuals affected with MYBPC3-related conditions. ClinVar contains an entry for this variant (Variation ID: 2185834). Algorithms developed to predict the effect of sequence changes on RNA splicing suggest that this variant may disrupt the consensus splice site. In summary, the currently available evidence indicates that the variant is pathogenic, but additional data are needed to prove that conclusively. Therefore, this variant has been classified as Likely Pathogenic.

Literature cited by the submitters: PubMed 19237661 (cited by Color Diagnostics, LLC DBA Color Health); PubMed 23277198 (cited by Color Diagnostics, LLC DBA Color Health); PubMed 23980194 (cited by Color Diagnostics, LLC DBA Color Health); PubMed 24530899 (cited by Color Diagnostics, LLC DBA Color Health); PubMed 25634555 (cited by Color Diagnostics, LLC DBA Color Health); PubMed 36370805 (cited by Color Diagnostics, LLC DBA Color Health); PubMed 38008210 (cited by Color Diagnostics, LLC DBA Color Health); PubMed 16199547 (cited by Labcorp Genetics (formerly Invitae), Labcorp); PubMed 19574547 (cited by Labcorp Genetics (formerly Invitae), Labcorp).

NM_000256.3(MYBPC3):c.905+1G>A

Gene: MYBPC3 (myosin binding protein C3; minus strand). Cytogenetic location: 11p11.2.
Variant type: single nucleotide variant.
Coding change: c.905+1G>A on transcript NM_000256.3 (MANE Select); the canonical splice donor site of the intron after coding-DNA position 905, G replaced by A.
Molecular consequence: splice donor variant.
Genome position (GRCh38, 1-based): chr11:47,347,425, C>T on the plus strand (G>A on the coding strand, the complement: MYBPC3 is on the minus strand). VCF-style: chr11-47347425-C-T. GRCh37 (hg19) VCF-style: chr11-47368976-C-T.
Identifiers: ClinVar variation 2185834 (VCV002185834.4), dbSNP rs767698543, ClinGen allele CA380333174.